The following is an entry in ClinVar:

NM_000548.5(TSC2):c.5196C>T (p.Pro1732=)

Gene: TSC2 (TSC complex subunit 2; plus strand). Cytogenetic location: 16p13.3.
Variant type: single nucleotide variant.
Coding change: c.5196C>T on transcript NM_000548.5 (MANE Select); coding-DNA position 5196, C replaced by T.
Protein change: p.Pro1732=; no amino-acid change (proline 1732 retained).
Molecular consequence: synonymous variant.
Genome position (GRCh38, 1-based): chr16:2,088,262, C>T. VCF-style: chr16-2088262-C-T. GRCh37 (hg19) VCF-style: chr16-2138263-C-T.
Other names: c.4995C>T, p.Pro1665= (NM_001077183.3); c.5127C>T, p.Pro1709= (NM_001114382.3); c.4887C>T, p.Pro1629= (NM_001318827.2); c.4851C>T, p.Pro1617= (NM_001318829.2); c.4464C>T, p.Pro1488= (NM_001318831.2); c.5028C>T, p.Pro1676= (NM_001318832.2); c.4998C>T, p.Pro1666= (NM_001363528.2); c.5064C>T, p.Pro1688= (NM_001370404.1); and 2 more.
Identifiers: ClinVar variation 486603 (VCV000486603.24), dbSNP rs910514279, ClinGen allele CA276759343.

ClinVar aggregate classification (germline): Benign/Likely benign. Review status: criteria provided, multiple submitters, no conflicts (2 of 4 stars). 8 submissions from 8 submitters: Benign (2); Likely benign (6). Last evaluated 2026-01-25.

Conditions:
Hereditary cancer-predisposing syndrome. Also called: Tumor predisposition; Neoplastic Syndromes, Hereditary; Hereditary Cancer Syndrome; Hereditary neoplastic syndrome. Identifiers: Orphanet 140162, MedGen C0027672, MeSH D009386, MONDO:0015356.
Tuberous sclerosis 2 (TSC2). Identifiers: Orphanet 805, MedGen C1860707, MONDO:0013199, OMIM 613254.
Tuberous sclerosis syndrome (TSC). Also called: Tuberous Sclerosis Complex; Tuberous sclerosis. Identifiers: Orphanet 805, MedGen C0041341, MONDO:0001734.

Allele frequency attached by ClinVar (database versions not stated): gnomAD 0.00001; gnomAD exomes 0.00001; TOPMed 0.00001.
gnomAD v4.1: 10 of 1,613,090 alleles (0.00062%); highest among the groups gnomAD compares: Non-Finnish European, 0.00085%; no homozygotes.

Submissions (8):

Labcorp Genetics (formerly Invitae), Labcorp
Classification: Likely benign for Tuberous sclerosis 2. Last evaluated: 2026-01-25. Review status: criteria provided, single submitter. Criteria: Invitae Variant Classification Sherloc (09022015). Collection method: clinical testing. Allele origin: germline.

Myriad Genetics, Inc.
Classification: Benign for Tuberous sclerosis 2. Last evaluated: 2025-06-06. Review status: criteria provided, single submitter. Criteria: Myriad Autosomal Dominant, Autosomal Recessive and X-Linked Classification Criteria (2023). Collection method: clinical testing. Allele origin: unknown.
Comment: This variant is considered benign. This variant is a silent/synonymous amino acid change and it is not expected to impact splicing.

All of Us Research Program, National Institutes of Health
Classification: Likely benign for Tuberous sclerosis syndrome. Last evaluated: 2024-07-29. Review status: criteria provided, single submitter. Criteria: ACMG Guidelines, 2015. Collection method: clinical testing. Allele origin: germline. Inheritance: Autosomal dominant inheritance. Observed: 4 variant alleles, 4 heterozygotes.
Comment: This study involves interpretation of variants in research participants for the purpose of population health screening. Participant phenotype was not available at the time of variant classification. Additional details can be found in publication PMID: 35346344, PMCID: PMC8962531

Color Diagnostics, LLC DBA Color Health
Classification: Likely benign for Tuberous sclerosis syndrome. Last evaluated: 2022-11-06. Review status: criteria provided, single submitter. Criteria: ACMG Guidelines, 2015. Collection method: clinical testing. Allele origin: germline.

Genome-Nilou Lab
Classification: Benign for Tuberous sclerosis 2. Last evaluated: 2021-11-07. Review status: criteria provided, single submitter. Criteria: ACMG Guidelines, 2015. Collection method: clinical testing. Allele origin: germline. Affected: no.

Sema4
Classification: Likely benign for Hereditary cancer-predisposing syndrome. Last evaluated: 2021-03-10. Review status: criteria provided, single submitter. Criteria: Sema4 Curation Guidelines. Collection method: curation. Allele origin: germline.

GeneDx
Classification: Likely benign. Last evaluated: 2019-05-09. Review status: criteria provided, single submitter. Criteria: GeneDx Variant Classification Process June 2021. Collection method: clinical testing. Allele origin: germline. Affected: yes.

Ambry Genetics
Classification: Likely benign for Hereditary cancer-predisposing syndrome. Last evaluated: 2016-10-13. Review status: criteria provided, single submitter. Criteria: Ambry Variant Classification Scheme 2023. Collection method: clinical testing. Allele origin: germline.